The following is an entry in ClinVar:

NM_001378418.1(TCF20):c.2835_2837del (p.Lys946del)

Gene: TCF20 (transcription factor 20; minus strand). Cytogenetic location: 22q13.2.
Variant type: Deletion.
Coding change: c.2835_2837del on transcript NM_001378418.1 (MANE Select); coding-DNA positions 2835 to 2837, 3 bases deleted (GAA; older notation c.2835_2837delGAA).
Protein change: p.Lys946del; deletes lysine 946.
Genome position (GRCh38, 1-based): chr22:42,212,469-42,212,471, TTC deleted on the plus strand (GAA on the coding strand, the reverse complement: TCF20 is on the minus strand); deleting any 3 consecutive bases within chr22:42,212,469-42,212,473 gives the same sequence; the c. name uses the placement nearest the transcript's 3' end. VCF-style (leftmost placement, unchanged base first): chr22-42212468-TTTC-T. GRCh37 (hg19) VCF-style: chr22-42608474-TTTC-T.
Other names: c.2835_2837del, p.Lys946del (NM_005650.4, NM_181492.3); short protein forms K946del.
Identifiers: ClinVar variation 4763040 (VCV004763040.1).

ClinVar aggregate classification (germline): Uncertain significance (1 of 4 stars; one submission).

Submission:

Labcorp Genetics (formerly Invitae), Labcorp
Classification: Uncertain significance. Last evaluated: 2025-08-31. Review status: criteria provided, single submitter. Criteria: Invitae Variant Classification Sherloc (09022015). Collection method: clinical testing. Allele origin: germline.
Comment: This variant, c.2835_2837del, results in the deletion of 1 amino acid(s) of the TCF20 protein (p.Lys946del), but otherwise preserves the integrity of the reading frame. This variant is present in population databases (no rsID available, gnomAD 0.003%). This variant has not been reported in the literature in individuals affected with TCF20-related conditions. Experimental studies and prediction algorithms are not available or were not evaluated, and the functional significance of this variant is currently unknown. In summary, the available evidence is currently insufficient to determine the role of this variant in disease. Therefore, it has been classified as a Variant of Uncertain Significance.